The following is an entry in ClinVar:

NM_000632.4(ITGAM):c.2521C>G (p.Arg841Gly)

Gene: ITGAM (integrin subunit alpha M; plus strand). Cytogenetic location: 16p11.2.
Variant type: single nucleotide variant.
Coding change: c.2521C>G on transcript NM_000632.4 (MANE Select); coding-DNA position 2521, C replaced by G.
Protein change: p.Arg841Gly; replaces arginine 841 with glycine.
Molecular consequence: missense variant.
Genome position (GRCh38, 1-based): chr16:31,325,515, C>G. VCF-style: chr16-31325515-C-G. GRCh37 (hg19) VCF-style: chr16-31336836-C-G.
Other names: c.2524C>G, p.Arg842Gly (NM_001145808.2); short protein forms R842G, R841G.
Identifiers: ClinVar variation 2015851 (VCV002015851.4), dbSNP rs765107155, ClinGen allele CA8025859.

ClinVar aggregate classification (germline): Uncertain significance (1 of 4 stars; one submission).

Allele frequency attached by ClinVar (database versions not stated): ExAC 0.00001.

Submission:

Labcorp Genetics (formerly Invitae), Labcorp
Classification: Uncertain significance. Last evaluated: 2022-07-10. Review status: criteria provided, single submitter. Criteria: Invitae Variant Classification Sherloc (09022015). Collection method: clinical testing. Allele origin: germline.
Comment: This variant has not been reported in the literature in individuals affected with ITGAM-related conditions. In summary, the available evidence is currently insufficient to determine the role of this variant in disease. Therefore, it has been classified as a Variant of Uncertain Significance. Algorithms developed to predict the effect of missense changes on protein structure and function (SIFT, PolyPhen-2, Align-GVGD) all suggest that this variant is likely to be disruptive. This variant is present in population databases (rs765107155, gnomAD 0.006%). This sequence change replaces arginine, which is basic and polar, with glycine, which is neutral and non-polar, at codon 841 of the ITGAM protein (p.Arg841Gly).